The following is an entry in ClinVar:

NM_001384140.1(PCDH15):c.4204T>G (p.Phe1402Val)

Gene: PCDH15 (protocadherin related 15; minus strand). Cytogenetic location: 10q21.1.
Variant type: single nucleotide variant.
Coding change: c.4204T>G on transcript NM_001384140.1 (MANE Select); coding-DNA position 4204, T replaced by G.
Protein change: p.Phe1402Val; replaces phenylalanine 1402 with valine.
Molecular consequence: missense variant. On other transcripts: intron variant (3).
Genome position (GRCh38, 1-based): chr10:53,828,572, A>C on the plus strand (T>G on the coding strand, the complement: PCDH15 is on the minus strand). VCF-style: chr10-53828572-A-C. GRCh37 (hg19) VCF-style: chr10-55588332-A-C.
Other names: c.4219T>G, p.Phe1407Val (NM_001142763.2, NM_001142771.2); c.4204T>G, p.Phe1402Val (NM_001142764.2, NM_001142770.3, NM_001142772.2 and 3 more transcripts); c.3991T>G, p.Phe1331Val (NM_001142765.2); c.4138T>G, p.Phe1380Val (NM_001142768.2, NM_001354404.2); c.4240T>G, p.Phe1414Val (NM_001142769.4); c.4225T>G, p.Phe1409Val (NM_001354411.2); c.4137-1024T>G (NM_001142773.2); c.4092-1024T>G (NM_001142767.2); and 1 more; short protein forms F1331V, F1380V, F1402V, F1407V, F1409V, F1414V.
Identifiers: ClinVar variation 1713527 (VCV001713527.5), dbSNP rs2492591541, ClinGen allele CA376528076.

ClinVar aggregate classification (germline): Uncertain significance (1 of 4 stars; one submission).

Submission:

Labcorp Genetics (formerly Invitae), Labcorp
Classification: Uncertain significance. Last evaluated: 2022-07-23. Review status: criteria provided, single submitter. Criteria: Invitae Variant Classification Sherloc (09022015). Collection method: clinical testing. Allele origin: germline.
Comment: This sequence change replaces phenylalanine, which is neutral and non-polar, with valine, which is neutral and non-polar, at codon 1402 of the PCDH15 protein (p.Phe1402Val). In summary, the available evidence is currently insufficient to determine the role of this variant in disease. Therefore, it has been classified as a Variant of Uncertain Significance. Algorithms developed to predict the effect of missense changes on protein structure and function (SIFT, PolyPhen-2, Align-GVGD) all suggest that this variant is likely to be tolerated. This variant has not been reported in the literature in individuals affected with PCDH15-related conditions. This variant is not present in population databases (gnomAD no frequency).